The following is an entry in ClinVar:

NM_001365308.1(BMPER):c.747C>T (p.Ser249=)

Gene: BMPER (BMP binding endothelial regulator; plus strand). Cytogenetic location: 7p14.3.
Variant type: single nucleotide variant.
Coding change: c.747C>T on transcript NM_001365308.1 (MANE Select); coding-DNA position 747, C replaced by T.
Protein change: p.Ser249=; no amino-acid change (serine 249 retained).
Molecular consequence: synonymous variant.
Genome position (GRCh38, 1-based): chr7:34,051,931, C>T. VCF-style: chr7-34051931-C-T. GRCh37 (hg19) VCF-style: chr7-34091543-C-T.
Other names: c.747C>T, p.Ser249= (NM_001410872.1, NM_133468.5).
Identifiers: ClinVar variation 3390013 (VCV003390013.14).

ClinVar aggregate classification (germline): Likely benign (1 of 4 stars; one submission).

gnomAD v4.1: 2 of 1,613,924 alleles (0.00012%); highest among the groups gnomAD compares: East Asian, 0.0022%; no homozygotes.

Submission:

CeGaT Center for Human Genetics Tuebingen
Classification: Likely benign. Last evaluated: 2024-10-01. Review status: criteria provided, single submitter. Criteria: CeGaT Center For Human Genetics Tuebingen Variant Classification Criteria Version 2. Collection method: clinical testing. Allele origin: germline. Affected: yes. Observed: 1 variant allele.
Comment: BMPER: BP4, BP7